The following is an entry in ClinVar:

ClinVar aggregate classification (germline): Conflicting classifications of pathogenicity. Review status: criteria provided, conflicting classifications (1 of 4 stars). 3 submissions from 3 submitters: Likely pathogenic (1); Uncertain significance (2). Last evaluated 2026-08-11.

Conditions:
Type 2 diabetes mellitus. Also called: Type II diabetes mellitus. Identifiers: MedGen C0011860, MeSH D003924, MONDO:0005148, OMIM 125853, HP:0005978.
KCNJ11-related disorder. Also called: KCNJ11-related condition; KCNJ11-related disorders.
Hyperinsulinemic hypoglycemia, familial, 2. Also called: HYPERINSULINEMIC HYPOGLYCEMIA, PERSISTENT; HYPERINSULINISM, NEONATAL. Identifiers: Orphanet 276580, Orphanet 276603, MedGen C2931833, MONDO:0011153, OMIM 601820. Disease mechanism: loss of function.

Allele frequency attached by ClinVar (database versions not stated): gnomAD exomes below 0.00001; TOPMed below 0.00001; gnomAD 0.00001.

Submissions (3):

PreventionGenetics, part of Exact Sciences
Classification: Uncertain significance for KCNJ11-related condition. Last evaluated: 2026-08-11. Review status: criteria provided, single submitter. Criteria: ACMG Guidelines, 2015. Collection method: clinical testing. Allele origin: germline.
Comment: The KCNJ11 c.637G>A variant is predicted to result in the amino acid substitution p.Ala213Thr. This variant has been reported in an individual with focal congenital hyperinsulinism, although no additional functional or genetic evidence that could help establish pathogenicity was reported (Bellanné-Chantelot et al. 2010. PubMed ID: 20685672). This variant is reported in 0.0050% of alleles in individuals of East Asian descent in gnomAD. At this time, the clinical significance of this variant is uncertain due to the absence of conclusive functional and genetic evidence.

Myriad Genetics, Inc.
Classification: Uncertain significance for Hyperinsulinemic hypoglycemia, familial, 2. Last evaluated: 2026-05-12. Review status: criteria provided, single submitter. Criteria: Myriad Autosomal Dominant, Autosomal Recessive and X-Linked Classification Criteria (2023). Collection method: clinical testing. Allele origin: unknown.
Comment: NM_000525.3(KCNJ11):c.637G>A(A213T) is a missense variant classified as a variant of uncertain significance in the context of familial hyperinsulinism, KCNJ11-related. A213T has been observed in cases with relevant disease (PMID: 20943781, 23345197, 20685672, 25555642). Relevant functional assessments of this variant are not available in the literature. A213T has been observed in referenced population frequency databases. In summary, there is insufficient evidence to classify NM_000525.3(KCNJ11):c.637G>A(A213T) as pathogenic or benign. Please note: this variant was assessed in the context of healthy population screening.

Baylor Genetics
Classification: Likely pathogenic for Type 2 diabetes mellitus. Last evaluated: 2023-04-02. Review status: criteria provided, single submitter. Criteria: ACMG Guidelines, 2015. Collection method: clinical testing. Allele origin: unknown.

Literature cited by the submitters: PubMed 20685672 (cited by Myriad Genetics, Inc.); PubMed 20943781 (cited by Myriad Genetics, Inc.); PubMed 23345197 (cited by Myriad Genetics, Inc.); PubMed 25555642 (cited by Myriad Genetics, Inc.).

NM_000525.4(KCNJ11):c.637G>A (p.Ala213Thr)

Gene: KCNJ11 (potassium inwardly rectifying channel subfamily J member 11; minus strand). Cytogenetic location: 11p15.1.
Variant type: single nucleotide variant.
Coding change: c.637G>A on transcript NM_000525.4 (MANE Select); coding-DNA position 637, G replaced by A.
Protein change: p.Ala213Thr; replaces alanine 213 with threonine.
Molecular consequence: missense variant.
Genome position (GRCh38, 1-based): chr11:17,387,455, C>T on the plus strand (G>A on the coding strand, the complement: KCNJ11 is on the minus strand). VCF-style: chr11-17387455-C-T. GRCh37 (hg19) VCF-style: chr11-17409002-C-T.
Other names: c.376G>A, p.Ala126Thr (NM_001166290.2, NM_001377296.1, NM_001377297.1); short protein forms A126T, A213T.
Identifiers: ClinVar variation 2630405 (VCV002630405.3), dbSNP rs1202775818, ClinGen allele CA379771936.